The following is an entry in ClinVar:

NM_000455.5(STK11):c.687C>T (p.Asp229=)

Gene: STK11 (serine/threonine kinase 11; plus strand). Cytogenetic location: 19p13.3.
Variant type: single nucleotide variant.
Coding change: c.687C>T on transcript NM_000455.5 (MANE Select); coding-DNA position 687, C replaced by T.
Protein change: p.Asp229=; no amino-acid change (aspartic acid 229 retained).
Molecular consequence: synonymous variant.
Genome position (GRCh38, 1-based): chr19:1,220,670, C>T. VCF-style: chr19-1220670-C-T. GRCh37 (hg19) VCF-style: chr19-1220669-C-T.
Identifiers: ClinVar variation 1563923 (VCV001563923.15), dbSNP rs770545562, ClinGen allele CA048486.
Genomic context (GRCh38, chr19:1,220,670, plus strand): 5'-CTGCCGGACCAGCCAGGGCTCCCCGGCTTTCCAGCCGCCCGAGATTGCCAACGGCCTGGA[C>T]ACCTTCTCCGGCTTCAAGGTGGACATCTGGTCGGCTGGGGTCACCCTGTAAGTGCCCCGC-3'
Protein context (NP_000446.1, residues 219-239): FQPPEIANGL[Asp229=]TFSGFKVDIW

ClinVar aggregate classification (germline): Benign/Likely benign. Review status: criteria provided, multiple submitters, no conflicts (2 of 4 stars). 6 submissions from 6 submitters: Benign (1); Likely benign (5). Last evaluated 2025-03-27.

Conditions:
Peutz-Jeghers syndrome (PJS). Also called: POLYPOSIS, HAMARTOMATOUS INTESTINAL; POLYPS-AND-SPOTS SYNDROME; Peutz-Jeghers polyposis; Periorificial lentiginosis syndrome. Identifiers: Orphanet 2869, MedGen C0031269, MeSH D010580, MONDO:0008280, OMIM 175200.
Hereditary cancer-predisposing syndrome. Also called: Neoplastic Syndromes, Hereditary; Hereditary neoplastic syndrome; Tumor predisposition; Hereditary Cancer Syndrome. Identifiers: Orphanet 140162, MedGen C0027672, MeSH D009386, MONDO:0015356.

Allele frequency attached by ClinVar (database versions not stated): gnomAD exomes below 0.00001 and 0.00001; ExAC 0.00001.
gnomAD v4.1: 3 of 1,611,068 alleles (0.00019%); highest among the groups gnomAD compares: South Asian, 0.0033%; no homozygotes.

Submissions (6):

Myriad Genetics, Inc.
Classification: Benign for Peutz-Jeghers syndrome. Last evaluated: 2025-03-27. Review status: criteria provided, single submitter. Criteria: Myriad Autosomal Dominant, Autosomal Recessive and X-Linked Classification Criteria (2023). Collection method: clinical testing. Allele origin: unknown.
Comment: This variant is considered benign. This variant is a silent/synonymous amino acid change and it is not expected to impact splicing.

All of Us Research Program, National Institutes of Health
Classification: Likely benign for Peutz-Jeghers syndrome. Last evaluated: 2024-05-14. Review status: criteria provided, single submitter. Criteria: ACMG Guidelines, 2015. Collection method: clinical testing. Allele origin: germline. Inheritance: Autosomal dominant inheritance. Observed: 2 variant alleles, 2 heterozygotes.
Comment: This study involves interpretation of variants in research participants for the purpose of population health screening. Participant phenotype was not available at the time of variant classification. Additional details can be found in publication PMID: 35346344, PMCID: PMC8962531

Blueprint Genetics
Classification: Likely benign. Last evaluated: 2023-12-28. Review status: criteria provided, single submitter. Criteria: ACMG Guidelines, 2015. Collection method: clinical testing. Allele origin: germline.

Labcorp Genetics (formerly Invitae), Labcorp
Classification: Likely benign for Peutz-Jeghers syndrome. Last evaluated: 2022-09-21. Review status: criteria provided, single submitter. Criteria: Invitae Variant Classification Sherloc (09022015). Collection method: clinical testing. Allele origin: germline.

Ambry Genetics
Classification: Likely benign for Hereditary cancer-predisposing syndrome. Last evaluated: 2021-08-26. Review status: criteria provided, single submitter. Criteria: Ambry Variant Classification Scheme 2023. Collection method: clinical testing. Allele origin: germline.

Color Diagnostics, LLC DBA Color Health
Classification: Likely benign for Hereditary cancer-predisposing syndrome. Last evaluated: 2020-03-16. Review status: criteria provided, single submitter. Criteria: ACMG Guidelines, 2015. Collection method: clinical testing. Allele origin: germline.